The following is an entry in ClinVar:

NM_002880.4(RAF1):c.465T>G (p.Cys155Trp)

Gene: RAF1 (Raf-1 proto-oncogene, serine/threonine kinase; minus strand). Cytogenetic location: 3p25.2.
Variant type: single nucleotide variant.
Coding change: c.465T>G on transcript NM_002880.4 (MANE Select); coding-DNA position 465, T replaced by G.
Protein change: p.Cys155Trp; replaces cysteine 155 with tryptophan.
Molecular consequence: missense variant. On other transcripts: non-coding transcript variant (3).
Genome position (GRCh38, 1-based): chr3:12,608,882, A>C on the plus strand (T>G on the coding strand, the complement: RAF1 is on the minus strand). VCF-style: chr3-12608882-A-C. GRCh37 (hg19) VCF-style: chr3-12650381-A-C.
Other names: c.465T>G, p.Cys155Trp (NM_001354689.3, NM_001354690.3, NM_001354693.3); c.222T>G, p.Cys74Trp (NM_001354691.3, NM_001354692.3, NM_001354694.3 and 1 more transcripts); short protein forms C155W, C74W.
Identifiers: ClinVar variation 972535 (VCV000972535.9), dbSNP rs2059121538, ClinGen allele CA351517381.
Genomic context (GRCh38, chr3:12,608,882, plus strand): 5'-GTGCTCATGAAATTTGTAGCCACAAGTCTGACATCGAAATCCATTGAGCAGGAATTTCTG[A>C]CAGATGTCACAGAAGGCAAGCTTCAGGAACGTCTTCCGAGCCTACAACAAGAACACAGGT-3'
Protein context (NP_002871.1, residues 145-165): TFLKLAFCDI[Cys155Trp]QKFLLNGFRC

ClinVar aggregate classification (germline): Uncertain significance (1 of 4 stars; one submission).

Conditions:
RASopathy. Also called: Noonan spectrum disorder; rasopathies. Identifiers: Orphanet 536391, MedGen C5555857, MONDO:0021060.

Submission:

Labcorp Genetics (formerly Invitae), Labcorp
Classification: Uncertain significance for RASopathy. Last evaluated: 2019-11-14. Review status: criteria provided, single submitter. Criteria: Invitae Variant Classification Sherloc (09022015). Collection method: clinical testing. Allele origin: germline.
Comment: This sequence change replaces cysteine with tryptophan at codon 155 of the RAF1 protein (p.Cys155Trp). The cysteine residue is highly conserved and there is a large physicochemical difference between cysteine and tryptophan. This variant is not present in population databases (ExAC no frequency). This variant has not been reported in the literature in individuals with RAF1-related conditions. Algorithms developed to predict the effect of missense changes on protein structure and function (SIFT, PolyPhen-2, Align-GVGD) all suggest that this variant is likely to be disruptive, but these predictions have not been confirmed by published functional studies and their clinical significance is uncertain. In summary, the available evidence is currently insufficient to determine the role of this variant in disease. Therefore, it has been classified as a Variant of Uncertain Significance.